The following is an entry in ClinVar:

ClinVar aggregate classification (germline): Uncertain significance (1 of 4 stars; one submission).

Conditions:
Hereditary cancer-predisposing syndrome. Also called: Hereditary neoplastic syndrome; Neoplastic Syndromes, Hereditary; Tumor predisposition; Hereditary Cancer Syndrome. Identifiers: Orphanet 140162, MedGen C0027672, MeSH D009386, MONDO:0015356.

Submission:

Ambry Genetics
Classification: Uncertain significance for Hereditary cancer-predisposing syndrome. Last evaluated: 2025-02-27. Review status: criteria provided, single submitter. Criteria: Ambry Variant Classification Scheme 2023. Collection method: clinical testing. Allele origin: germline.
Comment: The p.T3001I variant (also known as c.9002C>T), located in coding exon 22 of the BRCA2 gene, results from a C to T substitution at nucleotide position 9002. The threonine at codon 3001 is replaced by isoleucine, an amino acid with similar properties. This amino acid position is not well conserved in available vertebrate species. In addition, the in silico prediction for this alteration is inconclusive. Based on the available evidence, the clinical significance of this variant remains unclear.

NM_000059.4(BRCA2):c.9002C>T (p.Thr3001Ile)

Gene: BRCA2 (BRCA2 DNA repair associated; plus strand). Cytogenetic location: 13q13.1.
Variant type: single nucleotide variant.
Coding change: c.9002C>T on transcript NM_000059.4 (MANE Select); coding-DNA position 9002, C replaced by T.
Protein change: p.Thr3001Ile; replaces threonine 3001 with isoleucine.
Molecular consequence: missense variant. On other transcripts: non-coding transcript variant (1), intron variant (1).
Genome position (GRCh38, 1-based): chr13:32,379,798, C>T. VCF-style: chr13-32379798-C-T. GRCh37 (hg19) VCF-style: chr13-32953935-C-T.
Other names: c.8906C>T, p.Thr2969Ile (NM_001406719.1); c.4070C>T, p.Thr1357Ile (NM_001406721.1); c.2585C>T, p.Thr862Ile (NM_001406722.1); c.9002C>T, p.Thr3001Ile (NM_001432077.1); c.8954-3C>T (NM_001406720.1); short protein forms T1357I, T862I, T2969I, T3001I.
Identifiers: ClinVar variation 3825452 (VCV003825452.1).